The following is an entry in ClinVar:

ClinVar aggregate classification (germline): Benign/Likely benign. Review status: criteria provided, multiple submitters, no conflicts (2 of 4 stars). 8 submissions from 8 submitters: Benign (1); Likely benign (7). Last evaluated 2025-11-19.

Conditions:
Familial cancer of breast. Also called: BREAST CANCER, FAMILIAL; Hereditary breast cancer; hereditary breast carcinoma. Identifiers: Orphanet 227535, MedGen C0346153, MONDO:0016419, OMIM 114480. Disease mechanism: loss of function.
Fanconi anemia complementation group J. Also called: BRIP1-Related Fanconi Anemia. Identifiers: Orphanet 84, MedGen C1836860, MONDO:0012187, OMIM 609054.
Hereditary cancer-predisposing syndrome. Also called: Hereditary Cancer Syndrome; Neoplastic Syndromes, Hereditary; Tumor predisposition; Hereditary neoplastic syndrome. Identifiers: Orphanet 140162, MedGen C0027672, MeSH D009386, MONDO:0015356.

Allele frequency attached by ClinVar (database versions not stated): gnomAD 0.00001; gnomAD exomes 0.00001; TOPMed 0.00001.
gnomAD v4.1: 15 of 1,613,970 alleles (0.00093%); highest among the groups gnomAD compares: African/African-American, 0.0013%; no homozygotes.

Submissions (8):

Labcorp Genetics (formerly Invitae), Labcorp
Classification: Likely benign for Familial cancer of breast; Fanconi anemia complementation group J. Last evaluated: 2025-11-19. Review status: criteria provided, single submitter. Criteria: Invitae Variant Classification Sherloc (09022015). Collection method: clinical testing. Allele origin: germline.

Quest Diagnostics Nichols Institute San Juan Capistrano
Classification: Likely benign. Last evaluated: 2025-08-08. Review status: criteria provided, single submitter. Criteria: Quest Diagnostics criteria. Collection method: clinical testing. Allele origin: unknown.

Myriad Genetics, Inc.
Classification: Benign for Familial cancer of breast. Last evaluated: 2024-08-21. Review status: criteria provided, single submitter. Criteria: Myriad Autosomal Dominant, Autosomal Recessive and X-Linked Classification Criteria (2023). Collection method: clinical testing. Allele origin: unknown.
Comment: This variant is considered benign. This variant is a silent/synonymous amino acid change and it is not expected to impact splicing.

Sema4
Classification: Likely benign for Hereditary cancer-predisposing syndrome. Last evaluated: 2021-10-29. Review status: criteria provided, single submitter. Criteria: Sema4 Curation Guidelines. Collection method: curation. Allele origin: germline.

Women's Health and Genetics/Laboratory Corporation of America, LabCorp
Classification: Likely benign. Last evaluated: 2019-08-28. Review status: criteria provided, single submitter. Criteria: LabCorp Variant Classification Summary - May 2015. Collection method: clinical testing. Allele origin: germline.

GeneDx
Classification: Likely benign. Last evaluated: 2016-09-12. Review status: criteria provided, single submitter. Criteria: GeneDx Variant Classification (06012015). Collection method: clinical testing. Allele origin: germline. Affected: yes.
Comment: This variant is considered likely benign or benign based on one or more of the following criteria: it is a conservative change, it occurs at a poorly conserved position in the protein, it is predicted to be benign by multiple in silico algorithms, and/or has population frequency not consistent with disease.

Color Diagnostics, LLC DBA Color Health
Classification: Likely benign for Hereditary cancer-predisposing syndrome. Last evaluated: 2016-06-16. Review status: criteria provided, single submitter. Criteria: ACMG Guidelines, 2015. Collection method: clinical testing. Allele origin: germline.

Ambry Genetics
Classification: Likely benign for Hereditary cancer-predisposing syndrome. Last evaluated: 2014-08-05. Review status: criteria provided, single submitter. Criteria: Ambry Variant Classification Scheme 2023. Collection method: clinical testing. Allele origin: germline.

NM_032043.3(BRIP1):c.357T>C (p.Asn119=)

Gene: BRIP1 (BRCA1 interacting DNA helicase 1; minus strand). Cytogenetic location: 17q23.2.
Variant type: single nucleotide variant.
Coding change: c.357T>C on transcript NM_032043.3 (MANE Select); coding-DNA position 357, T replaced by C.
Protein change: p.Asn119=; no amino-acid change (asparagine 119 retained).
Molecular consequence: synonymous variant.
Genome position (GRCh38, 1-based): chr17:61,857,080, A>G on the plus strand (T>C on the coding strand, the complement: BRIP1 is on the minus strand). VCF-style: chr17-61857080-A-G. GRCh37 (hg19) VCF-style: chr17-59934441-A-G.
Identifiers: ClinVar variation 185813 (VCV000185813.23), dbSNP rs786202477, ClinGen allele CA193018.